The following is an entry in ClinVar:

NM_001854.4(COL11A1):c.4357-2A>G

Gene: COL11A1 (collagen type XI alpha 1 chain; minus strand). Cytogenetic location: 1p21.1.
Variant type: single nucleotide variant.
Coding change: c.4357-2A>G on transcript NM_001854.4 (MANE Select); the canonical splice acceptor site of the intron before coding-DNA position 4357, A replaced by G.
Molecular consequence: splice acceptor variant.
Genome position (GRCh38, 1-based): chr1:102,889,564, T>C on the plus strand (A>G on the coding strand, the complement: COL11A1 is on the minus strand). VCF-style: chr1-102889564-T-C. GRCh37 (hg19) VCF-style: chr1-103355120-T-C.
Other names: c.4240-2A>G (NM_001190709.2); c.4393-2A>G (NM_080629.3); c.4009-2A>G (NM_080630.4).
Identifiers: ClinVar variation 4766789 (VCV004766789.1).
Genomic context (GRCh38, chr1:102,889,564, plus strand): 5'-TCACCTTTTTCCCCTTGTTCTCCTGGAGGACCAATCAGGCCAATTAAACCAGGATGTCCC[T>C]TTGAAAGGCAGAGAAAAAAAATAATAACATGTACATTACTATCTTCATAAAATTTTAGTT-3'

ClinVar aggregate classification (germline): Likely pathogenic (1 of 4 stars; one submission).

Submission:

Labcorp Genetics (formerly Invitae), Labcorp
Classification: Likely pathogenic. Last evaluated: 2025-05-18. Review status: criteria provided, single submitter. Criteria: Invitae Variant Classification Sherloc (09022015). Collection method: clinical testing. Allele origin: germline.
Comment: This sequence change affects an acceptor splice site in intron 58 of the COL11A1 gene. It is expected to disrupt RNA splicing. Variants that disrupt the donor or acceptor splice site typically lead to a loss of protein function (PMID: 16199547), and loss-of-function variants in COL11A1 are known to be pathogenic (PMID: 20513134, 21035103, 23922384, 25240749, 32427345, 32756486). This variant is not present in population databases (gnomAD no frequency). This variant has not been reported in the literature in individuals affected with COL11A1-related conditions. Algorithms developed to predict the effect of sequence changes on RNA splicing suggest that this variant may disrupt the consensus splice site. In summary, the currently available evidence indicates that the variant is pathogenic, but additional data are needed to prove that conclusively. Therefore, this variant has been classified as Likely Pathogenic.

Literature cited by the submitters: PubMed 16199547; PubMed 20513134; PubMed 21035103; PubMed 23922384; PubMed 25240749; PubMed 32427345; PubMed 32756486.